The following is an entry in ClinVar:

NM_000875.5(IGF1R):c.3534dup (p.Met1179fs)

Gene: IGF1R (insulin like growth factor 1 receptor; plus strand). Cytogenetic location: 15q26.3.
Variant type: Duplication.
Coding change: c.3534dup on transcript NM_000875.5 (MANE Select); coding-DNA position 3534, one base duplicated (G; older notation c.3534dupG).
Protein change: p.Met1179fs; shifts the reading frame from methionine 1179.
Molecular consequence: frameshift variant.
Genome position (GRCh38, 1-based): chr15:98,942,999, G duplicated; the last of 2 consecutive G bases (chr15:98,942,998-98,942,999); duplicating either gives the same sequence. VCF-style (leftmost placement, unchanged base first): chr15-98942997-T-TG. GRCh37 (hg19) VCF-style: chr15-99486226-T-TG.
Other names: c.3531dup, p.Met1178fs (NM_001291858.2); c.3534dupG (NM_000875.5); c.3534dup (NM_000875.3); short protein forms M1178fs, M1179fs.
Identifiers: ClinVar variation 3895661 (VCV003895661.3).

ClinVar aggregate classification (germline): Pathogenic. Review status: criteria provided, multiple submitters, no conflicts (2 of 4 stars). 2 submissions from 2 submitters: Pathogenic (2). Last evaluated 2026-03-18.

Conditions:
Growth delay due to insulin-like growth factor I resistance. Also called: Insulin-Like Growth Factor I Resistance; Somatomedin end-organ insensitivity to; Somatomedin-c resistance to; IGF-1 resistance; IGF-I RESISTANCE. Identifiers: Orphanet 73273, MedGen C1849157, MONDO:0010038, OMIM 270450.

Submissions (2):

GeneDx
Classification: Pathogenic. Last evaluated: 2026-03-18. Review status: criteria provided, single submitter. Criteria: GeneDx Variant Classification Process June 2021. Collection method: clinical testing. Allele origin: germline.
Comment: Has not been previously published as pathogenic or benign to our knowledge; Frameshift variant predicted to result in protein truncation or nonsense mediated decay in a gene for which loss of function is a known mechanism of disease; Not observed at significant frequency in large population cohorts (gnomAD)

Women's Health and Genetics/Laboratory Corporation of America, LabCorp
Classification: Pathogenic for Growth delay due to insulin-like growth factor I resistance. Last evaluated: 2025-03-14. Review status: criteria provided, single submitter. Criteria: LabCorp Variant Classification Summary - May 2015. Collection method: clinical testing. Allele origin: germline.
Comment: Variant summary: IGF1R c.3534dupG (p.Met1179AspfsX4) results in a premature termination codon, predicted to cause a truncation of the encoded protein or absence of the protein due to nonsense mediated decay, which are commonly known mechanisms for disease. The variant was absent in 251484 control chromosomes. To our knowledge, no occurrence of c.3534dupG in individuals affected with Growth Delay Due To Insulin-Like Growth Factor I Resistance and no experimental evidence demonstrating its impact on protein function have been reported. No submitters have cited clinical-significance assessments for this variant to ClinVar. Based on the evidence outlined above, the variant was classified as pathogenic.